The following is an entry in ClinVar:

ClinVar aggregate classification (germline): Benign/Likely benign. Review status: criteria provided, multiple submitters, no conflicts (2 of 4 stars). 3 submissions from 3 submitters: Benign (1); Likely benign (2). Last evaluated 2025-09-10.

Conditions:
Hereditary cancer-predisposing syndrome. Also called: Neoplastic Syndromes, Hereditary; Hereditary Cancer Syndrome; Tumor predisposition; Hereditary neoplastic syndrome. Identifiers: Orphanet 140162, MedGen C0027672, MeSH D009386, MONDO:0015356.
Ataxia-telangiectasia syndrome (AT). Also called: Ataxia-telangiectasia; AT, COMPLEMENTATION GROUP C; ATAXIA-TELANGIECTASIA, FRESNO VARIANT; Ataxia-telangiectasia, complementation group D; Ataxia-telangiectasia, complementation group E; LOUIS-BAR SYNDROME. Identifiers: Orphanet 100, MedGen C0004135, MONDO:0008840, OMIM 208900.
Familial cancer of breast. Also called: BREAST CANCER, FAMILIAL; hereditary breast carcinoma; Hereditary breast cancer. Identifiers: Orphanet 227535, MedGen C0346153, MONDO:0016419, OMIM 114480. Disease mechanism: loss of function.

gnomAD v4.1: 1 of 1,614,076 alleles (0.000062%); highest among the groups gnomAD compares: South Asian, 0.0011%; no homozygotes.

Submissions (3):

Ambry Genetics
Classification: Likely benign for Hereditary cancer-predisposing syndrome. Last evaluated: 2025-09-10. Review status: criteria provided, single submitter. Criteria: Ambry Variant Classification Scheme 2023. Collection method: clinical testing. Allele origin: germline.

Myriad Genetics, Inc.
Classification: Benign for Familial cancer of breast. Last evaluated: 2024-05-13. Review status: criteria provided, single submitter. Criteria: Myriad Autosomal Dominant, Autosomal Recessive and X-Linked Classification Criteria (2023). Collection method: clinical testing. Allele origin: unknown.
Comment: This variant is considered benign. This variant is a silent/synonymous amino acid change and it is not expected to impact splicing.

Labcorp Genetics (formerly Invitae), Labcorp
Classification: Likely benign for Ataxia-telangiectasia syndrome. Last evaluated: 2024-01-03. Review status: criteria provided, single submitter. Criteria: Invitae Variant Classification Sherloc (09022015). Collection method: clinical testing. Allele origin: germline.

NM_000051.4(ATM):c.3186T>C (p.Asn1062=)

Gene: ATM (ATM serine/threonine kinase; plus strand). Cytogenetic location: 11q22.3.
Variant type: single nucleotide variant.
Coding change: c.3186T>C on transcript NM_000051.4 (MANE Select); coding-DNA position 3186, T replaced by C.
Protein change: p.Asn1062=; no amino-acid change (asparagine 1062 retained).
Molecular consequence: synonymous variant.
Genome position (GRCh38, 1-based): chr11:108,272,754, T>C. VCF-style: chr11-108272754-T-C. GRCh37 (hg19) VCF-style: chr11-108143481-T-C.
Other names: c.3186T>C, p.Asn1062= (NM_001351834.2).
Identifiers: ClinVar variation 2018952 (VCV002018952.6), dbSNP rs765286461, ClinGen allele CA476745085.